The following is an entry in ClinVar:

ClinVar aggregate classification (germline): Uncertain significance. Review status: criteria provided, multiple submitters, no conflicts (2 of 4 stars). 2 submissions from 2 submitters: Uncertain significance (2). Last evaluated 2022-09-27.

Conditions:
Hereditary spherocytosis type 1. Also called: Spherocytosis type 1; ANK1-Related Spherocytosis. Identifiers: Orphanet 822, MedGen C2674218, MONDO:0008447, OMIM 182900.

gnomAD v4.1: 18 of 1,613,664 alleles (0.0011%); highest among the groups gnomAD compares: Admixed American, 0.0017%; no homozygotes.

Submissions (2):

Labcorp Genetics (formerly Invitae), Labcorp
Classification: Uncertain significance. Last evaluated: 2022-09-27. Review status: criteria provided, single submitter. Criteria: Invitae Variant Classification Sherloc (09022015). Collection method: clinical testing. Allele origin: germline.
Comment: In summary, the available evidence is currently insufficient to determine the role of this variant in disease. Therefore, it has been classified as a Variant of Uncertain Significance. Advanced modeling of protein sequence and biophysical properties (such as structural, functional, and spatial information, amino acid conservation, physicochemical variation, residue mobility, and thermodynamic stability) performed at Invitae indicates that this missense variant is not expected to disrupt ANK1 protein function. This variant has not been reported in the literature in individuals affected with ANK1-related conditions. This variant is present in population databases (no rsID available, gnomAD 0.002%). This sequence change replaces aspartic acid, which is acidic and polar, with histidine, which is basic and polar, at codon 1501 of the ANK1 protein (p.Asp1501His).

Revvity Omics, Revvity
Classification: Uncertain significance for Hereditary spherocytosis type 1. Last evaluated: 2022-09-08. Review status: criteria provided, single submitter. Criteria: ACMG Guidelines, 2015. Collection method: clinical testing. Allele origin: germline.

NM_000037.4(ANK1):c.4501G>C (p.Asp1501His)

Genes: ANK1 (ankyrin 1; minus strand), LOC126860368 (BRD4-independent group 4 enhancer GRCh37_chr8:41541049-41542248; plus strand). Cytogenetic location: 8p11.21.
Variant type: single nucleotide variant.
Coding change: c.4501G>C on transcript NM_000037.4 (MANE Select); coding-DNA position 4501, G replaced by C.
Protein change: p.Asp1501His; replaces aspartic acid 1501 with histidine.
Molecular consequence: missense variant.
Genome position (GRCh38, 1-based): chr8:41,684,580, C>G on the plus strand (G>C on the coding strand, the complement: ANK1 is on the minus strand). VCF-style: chr8-41684580-C-G. GRCh37 (hg19) VCF-style: chr8-41542098-C-G.
Other names: c.4624G>C, p.Asp1542His (NM_001142446.2); c.4501G>C, p.Asp1501His (NM_020475.3, NM_020476.3, NM_020477.3); short protein forms D1501H, D1542H.
Identifiers: ClinVar variation 1950005 (VCV001950005.8), dbSNP rs775820344, ClinGen allele CA175923026.